The following is an entry in ClinVar:

ClinVar aggregate classification (germline): Uncertain significance (1 of 4 stars; one submission).

Submission:

GeneDx
Classification: Uncertain significance. Last evaluated: 2023-06-12. Review status: criteria provided, single submitter. Criteria: GeneDx Variant Classification Process June 2021. Collection method: clinical testing. Allele origin: germline. Affected: yes.
Comment: Not observed at significant frequency in large population cohorts (gnomAD); In silico analysis supports that this missense variant has a deleterious effect on protein structure/function; Has not been previously published as pathogenic or benign to our knowledge

NM_001142864.4(PIEZO1):c.7025T>A (p.Leu2342His)

Gene: PIEZO1 (piezo type mechanosensitive ion channel component 1 (Er blood group); minus strand). Cytogenetic location: 16q24.3.
Variant type: single nucleotide variant.
Coding change: c.7025T>A on transcript NM_001142864.4 (MANE Select); coding-DNA position 7025, T replaced by A.
Protein change: p.Leu2342His; replaces leucine 2342 with histidine.
Molecular consequence: missense variant.
Genome position (GRCh38, 1-based): chr16:88,716,385, A>T on the plus strand (T>A on the coding strand, the complement: PIEZO1 is on the minus strand). VCF-style: chr16-88716385-A-T. GRCh37 (hg19) VCF-style: chr16-88782793-A-T.
Other names: short protein forms L2342H.
Identifiers: ClinVar variation 3359813 (VCV003359813.1).